The following is an entry in ClinVar:

ClinVar aggregate classification (germline): Uncertain significance (1 of 4 stars; one submission).

Conditions:
BAP1-related tumor predisposition syndrome (TPDS1). Also called: Tumor susceptibility linked to germline BAP1 mutations; BAP1 tumor predisposition syndrome; COMMON Syndrome; TUMOR PREDISPOSITION SYNDROME 1. Identifiers: Orphanet 289539, MedGen C3280492, MONDO:0013692, OMIM 614327.

Submission:

Labcorp Genetics (formerly Invitae), Labcorp
Classification: Uncertain significance for BAP1-related tumor predisposition syndrome. Last evaluated: 2025-03-18. Review status: criteria provided, single submitter. Criteria: Invitae Variant Classification Sherloc (09022015). Collection method: clinical testing. Allele origin: germline.
Comment: This sequence change replaces leucine, which is neutral and non-polar, with valine, which is neutral and non-polar, at codon 570 of the BAP1 protein (p.Leu570Val). Information on the frequency of this variant in the gnomAD database is not available, as this variant may be reported differently in the database. This missense change has been observed in individual(s) with BAP1-related conditions (PMID: 22889334). It has also been observed to segregate with disease in related individuals. Experimental studies and prediction algorithms are not available or were not evaluated, and the functional significance of this variant is currently unknown. In summary, the available evidence is currently insufficient to determine the role of this variant in disease. Therefore, it has been classified as a Variant of Uncertain Significance.

Literature cited by the submitters: PubMed 22889334.

NM_004656.4(BAP1):c.1707_1708delinsAG (p.Leu570Val)

Gene: BAP1 (BRCA1 associated deubiquitinase 1; minus strand). Cytogenetic location: 3p21.1.
Variant type: Indel.
Coding change: c.1707_1708delinsAG on transcript NM_004656.4 (MANE Select); coding-DNA positions 1707 to 1708, GC replaced by AG.
Protein change: p.Leu570Val; replaces leucine 570 with valine.
Molecular consequence: missense variant.
Genome position (GRCh38, 1-based): chr3:52,403,437-52,403,438, GC replaced by CT on the plus strand (GC replaced by AG on the coding strand, the reverse complement: BAP1 is on the minus strand). VCF-style: chr3-52403437-GC-CT. GRCh37 (hg19) VCF-style: chr3-52437453-GC-CT.
Other names: c.1653_1654delinsAG, p.Leu552Val (NM_001410772.1); short protein forms L570V, L552V.
Identifiers: ClinVar variation 4715366 (VCV004715366.1).